The following is an entry in ClinVar:

NM_001370259.2(MEN1):c.977G>A (p.Gly326Asp)

Gene: MEN1 (menin 1; minus strand). Cytogenetic location: 11q13.1.
Variant type: single nucleotide variant.
Coding change: c.977G>A on transcript NM_001370259.2 (MANE Select); coding-DNA position 977, G replaced by A.
Protein change: p.Gly326Asp; replaces glycine 326 with aspartic acid.
Molecular consequence: missense variant. On other transcripts: non-coding transcript variant (4).
Genome position (GRCh38, 1-based): chr11:64,806,304, C>T on the plus strand (G>A on the coding strand, the complement: MEN1 is on the minus strand). VCF-style: chr11-64806304-C-T. GRCh37 (hg19) VCF-style: chr11-64573776-C-T.
Other names: c.992G>A, p.Gly331Asp (NM_000244.4, NM_001407145.1, NM_001407150.1 and 5 more transcripts); c.977G>A, p.Gly326Asp (NM_001370251.2, NM_001370260.2, NM_001370261.2 and 7 more transcripts); c.872G>A, p.Gly291Asp (NM_001370262.2, NM_001370263.2, NM_001407148.1 and 2 more transcripts); short protein forms G291D, G326D, G331D.
Identifiers: ClinVar variation 3229118 (VCV003229118.1), dbSNP rs2136119969, ClinGen allele CA381183324.

ClinVar aggregate classification (germline): Uncertain significance (1 of 4 stars; one submission).

Conditions:
Hereditary cancer-predisposing syndrome. Also called: Neoplastic Syndromes, Hereditary; Tumor predisposition; Hereditary neoplastic syndrome; Hereditary Cancer Syndrome. Identifiers: Orphanet 140162, MedGen C0027672, MeSH D009386, MONDO:0015356.

Submission:

Ambry Genetics
Classification: Uncertain significance for Hereditary cancer-predisposing syndrome. Last evaluated: 2024-01-21. Review status: criteria provided, single submitter. Criteria: Ambry Variant Classification Scheme 2023. Collection method: clinical testing. Allele origin: germline.
Comment: The p.G326D variant (also known as c.977G>A), located in coding exon 6 of the MEN1 gene, results from a G to A substitution at nucleotide position 977. The glycine at codon 326 is replaced by aspartic acid, an amino acid with similar properties. This amino acid position is conserved. In addition, this alteration is predicted to be deleterious by in silico analysis. Based on the available evidence, the clinical significance of this alteration remains unclear.